The following is an entry in ClinVar:

ClinVar aggregate classification (germline): Likely pathogenic (1 of 4 stars; one submission).

Conditions:
Ethylmalonic encephalopathy (EE). Also called: EPEMA syndrome; Encephalopathy, petechiae, and ethylmalonic aciduria; Syndrome of encephalopathy, petechiae, and ethylmalonic aciduria. Identifiers: Orphanet 51188, MedGen C1865349, MONDO:0011229, OMIM 602473. Disease mechanism: loss of function.

Submission:

Neuberg Centre For Genomic Medicine, NCGM
Classification: Likely pathogenic for Ethylmalonic encephalopathy. Review status: criteria provided, single submitter. Criteria: ACMG Guidelines, 2015. Collection method: clinical testing. Allele origin: germline. Inheritance: Autosomal recessive inheritance. Affected: yes.
Comment: The frameshift variant c.461del (p.Asp154ValfsTer4) in ETHE1 gene has not been reported previously as a pathogenic variant nor as a benign variant, to our knowledge. The p.Asp154ValfsTer4 variant is novel (not in any individuals) in gnomAD Exomes and 1000 Genomes. This variant causes a frameshift starting with codon Aspartic Acid 154, changes this amino acid to Valine residue, and creates a premature Stop codon at position 4 of the new reading frame, denoted p.Asp154ValfsTer4. Loss of function variants have been previously reported to be disease causing. For these reasons, this variant has been classified as Likely Pathogenic.

NM_014297.5(ETHE1):c.461del (p.Asp154fs)

Gene: ETHE1 (ETHE1 persulfide dioxygenase; minus strand). Cytogenetic location: 19q13.31.
Variant type: Deletion.
Coding change: c.461del on transcript NM_014297.5 (MANE Select); coding-DNA position 461, one base deleted (A; older notation c.461delA).
Protein change: p.Asp154fs; shifts the reading frame from aspartic acid 154.
Molecular consequence: frameshift variant.
Genome position (GRCh38, 1-based): chr19:43,511,481, T deleted on the plus strand (A on the coding strand, the reverse complement: ETHE1 is on the minus strand). VCF-style (leftmost placement, unchanged base first): chr19-43511480-AT-A. GRCh37 (hg19) VCF-style: chr19-44015632-AT-A.
Other names: c.428del, p.Asp143fs (NM_001320867.2); c.92del, p.Asp31fs (NM_001320868.2); c.167del, p.Asp56fs (NM_001320869.2); short protein forms D31fs, D143fs, D154fs, D56fs.
Identifiers: ClinVar variation 2585596 (VCV002585596.1), dbSNP rs2513609529, ClinGen allele CA2582342957.
Genomic context (GRCh38, chr19:43,511,480, plus strand): 5'-ATAAAGGAGCTGGTCACCTTGCTGGAAGTCTGTCCGCCCACACCCACGGATCAACAGGGC[AT>A]CTCCAGTGAAGGCCATGCTGTGGTCATTCAGGACGAAGGTGACACAGCCTGGGGTGTGGC-3'